The following is an entry in ClinVar:

ClinVar aggregate classification (germline): Uncertain significance (1 of 4 stars; one submission).

Submission:

Labcorp Genetics (formerly Invitae), Labcorp
Classification: Uncertain significance. Last evaluated: 2024-07-17. Review status: criteria provided, single submitter. Criteria: Invitae Variant Classification Sherloc (09022015). Collection method: clinical testing. Allele origin: germline.
Comment: This sequence change replaces glutamine, which is neutral and polar, with histidine, which is basic and polar, at codon 138 of the ALPK1 protein (p.Gln138His). This variant is not present in population databases (gnomAD no frequency). This variant has not been reported in the literature in individuals affected with ALPK1-related conditions. Advanced modeling of protein sequence and biophysical properties (such as structural, functional, and spatial information, amino acid conservation, physicochemical variation, residue mobility, and thermodynamic stability) performed at Invitae indicates that this missense variant is not expected to disrupt ALPK1 protein function with a negative predictive value of 80%. In summary, the available evidence is currently insufficient to determine the role of this variant in disease. Therefore, it has been classified as a Variant of Uncertain Significance.

NM_025144.4(ALPK1):c.414G>C (p.Gln138His)

Gene: ALPK1 (alpha kinase 1; plus strand). Cytogenetic location: 4q25.
Variant type: single nucleotide variant.
Coding change: c.414G>C on transcript NM_025144.4 (MANE Select); coding-DNA position 414, G replaced by C.
Protein change: p.Gln138His; replaces glutamine 138 with histidine.
Molecular consequence: missense variant.
Genome position (GRCh38, 1-based): chr4:112,411,964, G>C. VCF-style: chr4-112411964-G-C. GRCh37 (hg19) VCF-style: chr4-113333120-G-C.
Other names: c.414G>C, p.Gln138His (NM_001102406.2); c.180G>C, p.Gln60His (NM_001253884.2); short protein forms Q60H, Q138H.
Identifiers: ClinVar variation 3689545 (VCV003689545.2).
Genomic context (GRCh38, chr4:112,411,964, plus strand): 5'-GTATGGGCTCGACGTCTCTGGAAAACTTCTGCAGGTCGCCAAAGGTCTCCACAAGTTGCA[G>C]CCAGCCACGCCAATTGCCCCGCAGGTGGTTATTCGCCAAGCCCGAATCTCCGTGAACTCA-3'
Protein context (NP_079420.3, residues 128-148): LQVAKGLHKL[Gln138His]PATPIAPQVV